The following is an entry in ClinVar:

ClinVar aggregate classification (germline): Uncertain significance. Review status: criteria provided, multiple submitters, no conflicts (2 of 4 stars). 2 submissions from 2 submitters: Uncertain significance (2). Last evaluated 2023-12-18.

Allele frequency attached by ClinVar (database versions not stated): gnomAD 0.00001.
gnomAD v4.1: 12 of 1,611,872 alleles (0.00074%); highest among the groups gnomAD compares: East Asian, 0.022%; no homozygotes.

Submissions (2):

Labcorp Genetics (formerly Invitae), Labcorp
Classification: Uncertain significance. Last evaluated: 2023-12-18. Review status: criteria provided, single submitter. Criteria: Invitae Variant Classification Sherloc (09022015). Collection method: clinical testing. Allele origin: germline.
Comment: This sequence change replaces alanine, which is neutral and non-polar, with valine, which is neutral and non-polar, at codon 831 of the PDE6B protein (p.Ala831Val). This variant is present in population databases (rs769435109, gnomAD 0.05%). This missense change has been observed in individuals with autosomal recessive retinitis pigmentosa (PMID: 31054281, 31144483, 33177553, 33946315). ClinVar contains an entry for this variant (Variation ID: 2418915). Algorithms developed to predict the effect of missense changes on protein structure and function output the following: SIFT: "Not Available"; PolyPhen-2: "Benign"; Align-GVGD: "Not Available". The valine amino acid residue is found in multiple mammalian species, which suggests that this missense change does not adversely affect protein function. Algorithms developed to predict the effect of sequence changes on RNA splicing suggest that this variant may disrupt the consensus splice site. In summary, the available evidence is currently insufficient to determine the role of this variant in disease. Therefore, it has been classified as a Variant of Uncertain Significance.

Blueprint Genetics
Classification: Uncertain significance. Last evaluated: 2023-04-28. Review status: criteria provided, single submitter. Criteria: ACMG Guidelines, 2015. Collection method: clinical testing. Allele origin: germline.

Literature cited by the submitters: PubMed 31054281 (cited by Labcorp Genetics (formerly Invitae), Labcorp); PubMed 31144483 (cited by Labcorp Genetics (formerly Invitae), Labcorp); PubMed 33177553 (cited by Labcorp Genetics (formerly Invitae), Labcorp); PubMed 33946315 (cited by Labcorp Genetics (formerly Invitae), Labcorp).

NM_000283.4(PDE6B):c.2492C>T (p.Ala831Val)

Gene: PDE6B (phosphodiesterase 6B; plus strand). Cytogenetic location: 4p16.3.
Variant type: single nucleotide variant.
Coding change: c.2492C>T on transcript NM_000283.4 (MANE Select); coding-DNA position 2492, C replaced by T.
Protein change: p.Ala831Val; replaces alanine 831 with valine.
Molecular consequence: missense variant. On other transcripts: intron variant (2).
Genome position (GRCh38, 1-based): chr4:667,995, C>T. VCF-style: chr4-667995-C-T. GRCh37 (hg19) VCF-style: chr4-661784-C-T.
Other names: c.2492C>T, p.Ala831Val (NM_001145291.2); c.1655C>T, p.Ala552Val (NM_001145292.2, NM_001379246.1, NM_001379247.1); c.1601+54C>T (NM_001350154.3); c.1283+54C>T (NM_001350155.3); short protein forms A552V, A831V.
Identifiers: ClinVar variation 2418915 (VCV002418915.7), dbSNP rs769435109, ClinGen allele CA2795072.